The following is an entry in ClinVar:

ClinVar aggregate classification (germline): Uncertain significance (1 of 4 stars; one submission).

Conditions:
Retinoblastoma (RB1). Also called: RETINOBLASTOMA, SOMATIC. Identifiers: Orphanet 790, MedGen C0035335, MeSH D012175, MONDO:0008380, OMIM 180200, HP:0009919. Disease mechanism: loss of function. Inheritance: Both sporadic and heritable forms are tested..

Submission:

Labcorp Genetics (formerly Invitae), Labcorp
Classification: Uncertain significance for Retinoblastoma. Last evaluated: 2020-08-15. Review status: criteria provided, single submitter. Criteria: Invitae Variant Classification Sherloc (09022015). Collection method: clinical testing. Allele origin: germline.
Comment: This sequence change replaces serine with cysteine at codon 402 of the RB1 protein (p.Ser402Cys). The serine residue is moderately conserved and there is a moderate physicochemical difference between serine and cysteine. This variant is not present in population databases (ExAC no frequency). This variant has not been reported in the literature in individuals with RB1-related conditions. Algorithms developed to predict the effect of missense changes on protein structure and function are either unavailable or do not agree on the potential impact of this missense change (SIFT: "Deleterious"; PolyPhen-2: "Possibly Damaging"; Align-GVGD: "Class C0"). In summary, the available evidence is currently insufficient to determine the role of this variant in disease. Therefore, it has been classified as a Variant of Uncertain Significance.

NM_000321.3(RB1):c.1205C>G (p.Ser402Cys)

Gene: RB1 (RB transcriptional corepressor 1; plus strand). Cytogenetic location: 13q14.2.
Variant type: single nucleotide variant.
Coding change: c.1205C>G on transcript NM_000321.3 (MANE Select); coding-DNA position 1205, C replaced by G.
Protein change: p.Ser402Cys; replaces serine 402 with cysteine.
Molecular consequence: missense variant.
Genome position (GRCh38, 1-based): chr13:48,373,482, C>G. VCF-style: chr13-48373482-C-G. GRCh37 (hg19) VCF-style: chr13-48947618-C-G.
Other names: short protein forms S402C.
Identifiers: ClinVar variation 1052951 (VCV001052951.9), dbSNP rs2138131310, ClinGen allele CA388161670.